The following is an entry in ClinVar:

NM_001375.3(DNASE2):c.434_435delinsTT (p.Ser145Ile)

Gene: DNASE2 (deoxyribonuclease 2, lysosomal; minus strand). Cytogenetic location: 19p13.13.
Variant type: Indel.
Coding change: c.434_435delinsTT on transcript NM_001375.3 (MANE Select); coding-DNA positions 434 to 435, GC replaced by TT.
Protein change: p.Ser145Ile; replaces serine 145 with isoleucine.
Molecular consequence: missense variant.
Genome position (GRCh38, 1-based): chr19:12,878,746-12,878,747, GC replaced by AA on the plus strand (GC replaced by TT on the coding strand, the reverse complement: DNASE2 is on the minus strand). VCF-style: chr19-12878746-GC-AA. GRCh37 (hg19) VCF-style: chr19-12989560-GC-AA.
Other names: short protein forms S145I.
Identifiers: ClinVar variation 2091872 (VCV002091872.4), dbSNP rs2512549730, ClinGen allele CA2580096513.

ClinVar aggregate classification (germline): Uncertain significance (1 of 4 stars; one submission).

Submission:

Labcorp Genetics (formerly Invitae), Labcorp
Classification: Uncertain significance. Last evaluated: 2022-02-09. Review status: criteria provided, single submitter. Criteria: Invitae Variant Classification Sherloc (09022015). Collection method: clinical testing. Allele origin: germline.
Comment: In summary, the available evidence is currently insufficient to determine the role of this variant in disease. Therefore, it has been classified as a Variant of Uncertain Significance. This sequence change replaces serine, which is neutral and polar, with isoleucine, which is neutral and non-polar, at codon 145 of the DNASE2 protein (p.Ser145Ile). Information on the frequency of this variant in the gnomAD database is not available, as this variant may be reported differently in the database. This variant has not been reported in the literature in individuals affected with DNASE2-related conditions. Algorithms developed to predict the effect of missense changes on protein structure and function are either unavailable or do not agree on the potential impact of this missense change (SIFT: "Not Available"; PolyPhen-2: "Benign"; Align-GVGD: "Not Available").